The following is an entry in ClinVar:

ClinVar aggregate classification (germline): Uncertain significance (1 of 4 stars; one submission).

Submission:

Dasa
Classification: Uncertain significance. Last evaluated: 2026-03-04. Review status: criteria provided, single submitter. Criteria: DASA Assertion Criteria. Collection method: clinical testing. Allele origin: germline.
Comment: NM_000159.4(GCDH):c.505+658G>T is an intronic variant. This variant has been observed in affected individuals with GCDH-related disorders. Also, this variant is rare in population databases. The currently available literature and clinical evidence are not sufficient to establish a definitive association between this variant and the reported condition. Therefore, this variant is classified as a variant of uncertain significance.

NM_000159.4(GCDH):c.505+658G>T

Gene: GCDH (glutaryl-CoA dehydrogenase; plus strand). Cytogenetic location: 19p13.13.
Variant type: single nucleotide variant.
Coding change: c.505+658G>T on transcript NM_000159.4 (MANE Select); 658 bases into the intron after coding-DNA position 505, G replaced by T.
Molecular consequence: intron variant.
Genome position (GRCh38, 1-based): chr19:12,894,311, G>T. VCF-style: chr19-12894311-G-T. GRCh37 (hg19) VCF-style: chr19-13005125-G-T.
Other names: c.505+658G>T (NM_013976.5).
Identifiers: ClinVar variation 4883667 (VCV004883667.2).